The following is an entry in ClinVar:

NM_004006.3(DMD):c.14AAG[1] (p.Glu6del)

Gene: DMD (dystrophin; minus strand). Cytogenetic location: Xp21.1.
Variant type: Microsatellite.
Coding change: c.14AAG[1] on transcript NM_004006.3 (MANE Select); one copy of the 3-base unit AAG starting at c.14; the reference has two copies in a row; one copy, 3 bases deleted.
Protein change: p.Glu6del; deletes glutamic acid 6.
Molecular consequence: inframe deletion. On other transcripts: intron variant (1).
Genome position (GRCh38, 1-based): chrX:33,211,294-33,211,296, CTT deleted on the plus strand (AAG on the coding strand, the reverse complement: DMD is on the minus strand); deleting any 3 consecutive bases within chrX:33,211,294-33,211,300 gives the same sequence; the position shown is the placement nearest the transcript's 3' end. VCF-style (leftmost placement, unchanged base first): chrX-33211293-ACTT-A. GRCh37 (hg19) VCF-style: chrX-33229410-ACTT-A.
Other names: c.7+127963_7+127965del (NM_000109.4); short protein forms E6del.
Identifiers: ClinVar variation 2700572 (VCV002700572.4), dbSNP rs2521942684, ClinGen allele CA2693401255.

ClinVar aggregate classification (germline): Uncertain significance. Review status: criteria provided, multiple submitters, no conflicts (2 of 4 stars). 2 submissions from 2 submitters: Uncertain significance (2). Last evaluated 2023-12-06.

Conditions:
Duchenne muscular dystrophy (DMD). Also called: Duchenne Muscular Dystrophy (DMD); MUSCULAR DYSTROPHY, PSEUDOHYPERTROPHIC PROGRESSIVE, DUCHENNE TYPE. Identifiers: Orphanet 98896, MedGen C0013264, MONDO:0010679, OMIM 310200.

Submissions (2):

Labcorp Genetics (formerly Invitae), Labcorp
Classification: Uncertain significance for Duchenne muscular dystrophy. Last evaluated: 2023-12-06. Review status: criteria provided, single submitter. Criteria: Invitae Variant Classification Sherloc (09022015). Collection method: clinical testing. Allele origin: germline.
Comment: This variant, c.17_19del, results in the deletion of 1 amino acid(s) of the DMD protein (p.Glu6del), but otherwise preserves the integrity of the reading frame. This variant is not present in population databases (gnomAD no frequency). This variant has not been reported in the literature in individuals affected with DMD-related conditions. Experimental studies and prediction algorithms are not available or were not evaluated, and the functional significance of this variant is currently unknown. In summary, the available evidence is currently insufficient to determine the role of this variant in disease. Therefore, it has been classified as a Variant of Uncertain Significance.

Blueprint Genetics
Classification: Uncertain significance. Last evaluated: 2023-02-10. Review status: criteria provided, single submitter. Criteria: ACMG Guidelines, 2015. Collection method: clinical testing. Allele origin: germline.